The following is an entry in ClinVar:

NM_001372044.2(SHANK3):c.4737G>A (p.Leu1579=)

Gene: SHANK3 (SH3 and multiple ankyrin repeat domains 3; plus strand). Cytogenetic location: 22q13.33.
Variant type: single nucleotide variant.
Coding change: c.4737G>A on transcript NM_001372044.2 (MANE Select); coding-DNA position 4737, G replaced by A.
Protein change: p.Leu1579=; no amino-acid change (leucine 1579 retained).
Molecular consequence: synonymous variant.
Genome position (GRCh38, 1-based): chr22:50,722,345, G>A. VCF-style: chr22-50722345-G-A. GRCh37 (hg19) VCF-style: chr22-51160773-G-A.
Identifiers: ClinVar variation 5040290 (VCV005040290.1).

ClinVar aggregate classification (germline): Likely benign (1 of 4 stars; one submission).

Submission:

CeGaT Center for Human Genetics Tuebingen
Classification: Likely benign. Last evaluated: 2026-07-01. Review status: criteria provided, single submitter. Criteria: CeGaT Center For Human Genetics Tuebingen Variant Classification Criteria Version 2. Collection method: clinical testing. Allele origin: germline. Affected: yes. Observed: 1 variant allele.
Comment: SHANK3: PM2:Supporting, BP4, BP7